The following is an entry in ClinVar:

ClinVar aggregate classification (germline): Conflicting classifications of pathogenicity. Review status: criteria provided, conflicting classifications (1 of 4 stars). 3 submissions from 3 submitters: Uncertain significance (1); Likely benign (1). 1 of the submissions does not count toward it. Last evaluated 2025-11-28.

Conditions:
INPP5E-related disorder. Also called: INPP5E-related condition.
Joubert syndrome 1 (JBTS1). Also called: Cerebellooculorenal syndrome 1; CEREBELLOPARENCHYMAL DISORDER IV. Identifiers: MedGen C4551568, MONDO:0008944, OMIM 213300.
Joubert syndrome. Also called: JOUBERT-BOLTSHAUSER SYNDROME; Familial aplasia of the vermis. Identifiers: Orphanet 475, MedGen C5979921, MONDO:0018772.

Allele frequency attached by ClinVar (database versions not stated): TOPMed 0.00003.
gnomAD v4.1: 27 of 1,594,604 alleles (0.0017%); highest among the groups gnomAD compares: Admixed American, 0.012%; no homozygotes.

Submissions (3):

Labcorp Genetics (formerly Invitae), Labcorp
Classification: Likely benign for Joubert syndrome. Last evaluated: 2025-11-28. Review status: criteria provided, single submitter. Criteria: Invitae Variant Classification Sherloc (09022015). Collection method: clinical testing. Allele origin: germline.

Illumina Laboratory Services, Illumina
Classification: Uncertain significance for Joubert syndrome 1. Last evaluated: 2018-01-12. Review status: criteria provided, single submitter. Criteria: ICSL Variant Classification Criteria 13 December 2019. Collection method: clinical testing. Allele origin: germline.

PreventionGenetics, part of Exact Sciences
Classification: Likely benign for INPP5E-related condition. Last evaluated: 2022-11-21. Review status: no assertion criteria provided. Collection method: clinical testing. Allele origin: germline. Not counted in ClinVar's aggregate classification.
Comment: This variant is classified as likely benign based on ACMG/AMP sequence variant interpretation guidelines (Richards et al. 2015 PMID: 25741868, with internal and published modifications).

NM_019892.6(INPP5E):c.1074G>A (p.Pro358=)

Gene: INPP5E (inositol polyphosphate-5-phosphatase E; minus strand). Cytogenetic location: 9q34.3.
Variant type: single nucleotide variant.
Coding change: c.1074G>A on transcript NM_019892.6 (MANE Select); coding-DNA position 1074, G replaced by A.
Protein change: p.Pro358=; no amino-acid change (proline 358 retained).
Molecular consequence: synonymous variant.
Genome position (GRCh38, 1-based): chr9:136,433,240, C>T on the plus strand (G>A on the coding strand, the complement: INPP5E is on the minus strand). VCF-style: chr9-136433240-C-T. GRCh37 (hg19) VCF-style: chr9-139327692-C-T.
Other names: c.1074G>A (NM_019892.5); c.1074G>A, p.Pro358= (NM_001318502.2).
Identifiers: ClinVar variation 912998 (VCV000912998.13), dbSNP rs746782404, ClinGen allele CA5336956.